The following is an entry in ClinVar:

NM_000285.4(PEPD):c.793C>T (p.Arg265Ter)

Gene: PEPD (peptidase D; minus strand). Cytogenetic location: 19q13.11.
Variant type: single nucleotide variant.
Coding change: c.793C>T on transcript NM_000285.4 (MANE Select); coding-DNA position 793, C replaced by T.
Protein change: p.Arg265Ter; replaces arginine 265 with a stop codon.
Molecular consequence: nonsense.
Genome position (GRCh38, 1-based): chr19:33,411,697, G>A on the plus strand (C>T on the coding strand, the complement: PEPD is on the minus strand). VCF-style: chr19-33411697-G-A. GRCh37 (hg19) VCF-style: chr19-33902603-G-A.
Other names: c.670C>T, p.Arg224Ter (NM_001166056.2); c.601C>T, p.Arg201Ter (NM_001166057.2); short protein forms R265*, R201*, R224*.
Identifiers: ClinVar variation 215 (VCV000000215.8), dbSNP rs121917725, ClinGen allele CA339803.

ClinVar aggregate classification (germline): Pathogenic. Review status: criteria provided, multiple submitters, no conflicts (2 of 4 stars). 5 submissions from 5 submitters: Pathogenic (3). 2 of the submissions do not count toward it. Last evaluated 2026-02-12.

Conditions:
Prolidase deficiency. Identifiers: Orphanet 742, MedGen C0268532, MONDO:0008221, OMIM 170100.

Allele frequency attached by ClinVar (database versions not stated): gnomAD 0.00003; TOPMed 0.00003.
gnomAD v4.1: 16 of 1,609,348 alleles (0.00099%); highest among the groups gnomAD compares: Non-Finnish European, 0.0014%; no homozygotes.

Submissions (5):

Dasa
Classification: Pathogenic. Last evaluated: 2026-02-12. Review status: criteria provided, single submitter. Criteria: DASA Assertion Criteria. Collection method: clinical testing. Allele origin: germline.
Comment: NM_000285.4(PEPD):c.793C>T (p.Arg265*) introduces a premature termination codon predicted to result in loss of normal protein function. Loss-of-function is an established mechanism of disease for this gene. Segregation evidence has been reported in affected families. This variant has been reported in an affected individual with related phenotype in a genotype context consistent with recessive disease (PMID: 16470701). The variant is present at low frequency in population datasets. Based on the available data, this variant is classified as pathogenic.

Labcorp Genetics (formerly Invitae), Labcorp
Classification: Pathogenic. Last evaluated: 2025-01-07. Review status: criteria provided, single submitter. Criteria: Invitae Variant Classification Sherloc (09022015). Collection method: clinical testing. Allele origin: germline.
Comment: This sequence change creates a premature translational stop signal (p.Arg265*) in the PEPD gene. It is expected to result in an absent or disrupted protein product. Loss-of-function variants in PEPD are known to be pathogenic (PMID: 8198124, 10721675, 12384772, 17142620). This variant is present in population databases (rs121917725, gnomAD 0.002%). This premature translational stop signal has been observed in individual(s) with clinical features of prolidase deficiency (PMID: 16470701). ClinVar contains an entry for this variant (Variation ID: 215). For these reasons, this variant has been classified as Pathogenic.

GeneDx
Classification: Pathogenic. Last evaluated: 2024-12-17. Review status: criteria provided, single submitter. Criteria: GeneDx Variant Classification Process June 2021. Collection method: clinical testing. Allele origin: germline. Affected: yes.
Comment: Nonsense variant predicted to result in protein truncation or nonsense mediated decay in a gene for which loss of function is a known mechanism of disease; Not observed at significant frequency in large population cohorts (gnomAD); This variant is associated with the following publications: (PMID: 25525159, 31028937, 31589614, 16470701)

OMIM
Classification: Pathogenic for PROLIDASE DEFICIENCY. Last evaluated: 2006-03-15. Review status: no assertion criteria provided. Collection method: literature only. Allele origin: germline. Not counted in ClinVar's aggregate classification.

GeneReviews
No classification provided. Condition: Prolidase deficiency. Review status: no classification provided. Collection method: literature only. Allele origin: germline. Affected: yes. Not counted in ClinVar's aggregate classification.

Literature cited by the submitters: PubMed 16470701 (cited by 3 submitters); PubMed 8198124 (cited by Labcorp Genetics (formerly Invitae), Labcorp); PubMed 10721675 (cited by Labcorp Genetics (formerly Invitae), Labcorp); PubMed 12384772 (cited by Labcorp Genetics (formerly Invitae), Labcorp); PubMed 17142620 (cited by Labcorp Genetics (formerly Invitae), Labcorp); NCBI Bookshelf NBK299584 (cited by GeneReviews).